The following is an entry in ClinVar:

ClinVar aggregate classification (germline): Conflicting classifications of pathogenicity. Review status: criteria provided, conflicting classifications (1 of 4 stars). 2 submissions from 2 submitters: Uncertain significance (1); Benign (1). Last evaluated 2025-07-01.

Conditions:
Ehlers-Danlos syndrome, classic type, 1 (EDSCL1). Also called: EHLERS-DANLOS SYNDROME, GRAVIS TYPE; EHLERS-DANLOS SYNDROME, SEVERE CLASSIC TYPE; Ehlers-Danlos syndrome, type 1; EDS I; Ehlers-Danlos Syndrome, Classic Type, COL5A1-Related. Identifiers: MedGen C0268335, MONDO:0019567, OMIM 130000.

Allele frequency attached by ClinVar (database versions not stated): gnomAD 0.00001; gnomAD exomes 0.00001; TOPMed 0.00001.
gnomAD v4.1: 15 of 1,611,564 alleles (0.00093%); highest among the groups gnomAD compares: African/African-American, 0.0027%; no homozygotes.

Submissions (2):

GeneDx
Classification: Uncertain significance. Last evaluated: 2025-07-01. Review status: criteria provided, single submitter. Criteria: GeneDx Variant Classification Process June 2021. Collection method: clinical testing. Allele origin: germline. Affected: yes.
Comment: Has not been previously published as pathogenic or benign to our knowledge; Not observed at significant frequency in large population cohorts (gnomAD); In silico analysis suggests that this missense variant does not alter protein structure/function; Not located in the triple helical region, where the majority of pathogenic missense variants occur (PMID: 22696272; HGMD); This variant is associated with the following publications: (PMID: 22696272)

Labcorp Genetics (formerly Invitae), Labcorp
Classification: Benign for Ehlers-Danlos syndrome, classic type, 1. Last evaluated: 2024-12-22. Review status: criteria provided, single submitter. Criteria: Invitae Variant Classification Sherloc (09022015). Collection method: clinical testing. Allele origin: germline.

NM_000393.5(COL5A2):c.68C>T (p.Ser23Leu)

Gene: COL5A2 (collagen type V alpha 2 chain; minus strand). Cytogenetic location: 2q32.2.
Variant type: single nucleotide variant.
Coding change: c.68C>T on transcript NM_000393.5 (MANE Select); coding-DNA position 68, C replaced by T.
Protein change: p.Ser23Leu; replaces serine 23 with leucine.
Molecular consequence: missense variant.
Genome position (GRCh38, 1-based): chr2:189,179,537, G>A on the plus strand (C>T on the coding strand, the complement: COL5A2 is on the minus strand). VCF-style: chr2-189179537-G-A. GRCh37 (hg19) VCF-style: chr2-190044263-G-A.
Other names: short protein forms S23L.
Identifiers: ClinVar variation 1313206 (VCV001313206.6), dbSNP rs1335028282, ClinGen allele CA349986224.